The following is an entry in ClinVar:

NM_006767.4(LZTR1):c.1749C>A (p.Cys583Ter)

Gene: LZTR1 (leucine zipper like post translational regulator 1; plus strand). Cytogenetic location: 22q11.21.
Variant type: single nucleotide variant.
Coding change: c.1749C>A on transcript NM_006767.4 (MANE Select); coding-DNA position 1749, C replaced by A.
Protein change: p.Cys583Ter; replaces cysteine 583 with a stop codon.
Molecular consequence: nonsense.
Genome position (GRCh38, 1-based): chr22:20,994,691, C>A. VCF-style: chr22-20994691-C-A. GRCh37 (hg19) VCF-style: chr22-21348980-C-A.
Other names: c.1749C>A (NM_006767.3); short protein forms C583*.
Identifiers: ClinVar variation 2874950 (VCV002874950.4), dbSNP rs758399311, ClinGen allele CA410778216.
Genomic context (GRCh38, chr22:20,994,691, plus strand): 5'-GCAGCTGTGCCGCCAGTACATCGAGGCCTCCGTGGACCTGCAGAACGTGCTGGTTGTGTG[C>A]GAGAGTGCCGCCCGGCTGCAGCTGAGCCAACTCAAGGTGTGGGGTGGGGTCAGCGCAATC-3'

ClinVar aggregate classification (germline): Pathogenic. Review status: criteria provided, multiple submitters, no conflicts (2 of 4 stars). 2 submissions from 2 submitters: Pathogenic (2). Last evaluated 2023-10-30.

Conditions:
Hereditary cancer-predisposing syndrome. Also called: Neoplastic Syndromes, Hereditary; Hereditary Cancer Syndrome; Hereditary neoplastic syndrome; Tumor predisposition. Identifiers: Orphanet 140162, MedGen C0027672, MeSH D009386, MONDO:0015356.
Cardiovascular phenotype. Identifiers: MedGen CN230736.

gnomAD v4.1: 1 of 1,612,570 alleles (0.000062%); highest among the groups gnomAD compares: South Asian, 0.0011%; no homozygotes.

Submissions (2):

Ambry Genetics
Classification: Pathogenic for Cardiovascular phenotype; Hereditary cancer-predisposing syndrome. Last evaluated: 2023-10-30. Review status: criteria provided, single submitter. Criteria: Ambry Variant Classification Scheme 2023. Collection method: clinical testing. Allele origin: germline.
Comment: The p.C583* pathogenic mutation (also known as c.1749C>A), located in coding exon 15 of the LZTR1 gene, results from a C to A substitution at nucleotide position 1749. This changes the amino acid from a cysteine to a stop codon within coding exon 15. This alteration is expected to result in loss of function by premature protein truncation or nonsense-mediated mRNA decay. Loss-of-function variants in LZTR1 are related to an increased risk for schwannomas and autosomal recessive Noonan syndrome; however, such associations with autosomal dominant Noonan syndrome have not been observed (Piotrowski A et al. Nat Genet. 2014 Feb;46:182-7; Yamamoto GL et al. J Med Genet. 2015 Jun;52:413-21; Johnston JJ et al. Genet Med. 2018 10;20:1175-1185). Based on the supporting evidence, this variant is pathogenic for an increased risk of LZTR1-related schwannomatosis (SWN) and would be expected to cause autosomal recessive Noonan syndrome when present along with a second pathogenic or likely pathogenic variant on the other allele; however, the association of this alteration with autosomal dominant Noonan syndrome is unlikely.

Labcorp Genetics (formerly Invitae), Labcorp
Classification: Pathogenic. Last evaluated: 2023-08-09. Review status: criteria provided, single submitter. Criteria: Invitae Variant Classification Sherloc (09022015). Collection method: clinical testing. Allele origin: germline.
Comment: For these reasons, this variant has been classified as Pathogenic. This variant has not been reported in the literature in individuals affected with LZTR1-related conditions. This variant is not present in population databases (gnomAD no frequency). This sequence change creates a premature translational stop signal (p.Cys583*) in the LZTR1 gene. It is expected to result in an absent or disrupted protein product. Loss-of-function variants in LZTR1 are known to be pathogenic (PMID: 24362817, 25335493, 25480913, 25795793, 29469822, 30368668, 30442762, 30442766, 30481304, 30859559).

Literature cited by the submitters: PubMed 24362817 (cited by Labcorp Genetics (formerly Invitae), Labcorp); PubMed 25335493 (cited by Labcorp Genetics (formerly Invitae), Labcorp); PubMed 25480913 (cited by Labcorp Genetics (formerly Invitae), Labcorp); PubMed 25795793 (cited by Labcorp Genetics (formerly Invitae), Labcorp); PubMed 29469822 (cited by Labcorp Genetics (formerly Invitae), Labcorp); PubMed 30368668 (cited by Labcorp Genetics (formerly Invitae), Labcorp); PubMed 30442762 (cited by Labcorp Genetics (formerly Invitae), Labcorp); PubMed 30442766 (cited by Labcorp Genetics (formerly Invitae), Labcorp); PubMed 30481304 (cited by Labcorp Genetics (formerly Invitae), Labcorp); PubMed 30859559 (cited by Labcorp Genetics (formerly Invitae), Labcorp).